The following is an entry in ClinVar:

ClinVar aggregate classification (germline): Uncertain significance (1 of 4 stars; one submission).

Allele frequency attached by ClinVar (database versions not stated): gnomAD 0.00001; TOPMed 0.00002; ExAC 0.00003; gnomAD exomes 0.00003.
gnomAD v4.1: 37 of 1,601,324 alleles (0.0023%); highest among the groups gnomAD compares: Non-Finnish European, 0.0027%; no homozygotes.

Submission:

Labcorp Genetics (formerly Invitae), Labcorp
Classification: Uncertain significance. Last evaluated: 2024-06-28. Review status: criteria provided, single submitter. Criteria: Invitae Variant Classification Sherloc (09022015). Collection method: clinical testing. Allele origin: germline.
Comment: This sequence change replaces arginine, which is basic and polar, with histidine, which is basic and polar, at codon 927 of the AUTS2 protein (p.Arg927His). The frequency data for this variant in the population databases is considered unreliable, as metrics indicate poor data quality at this position in the gnomAD database. This variant has not been reported in the literature in individuals affected with AUTS2-related conditions. ClinVar contains an entry for this variant (Variation ID: 2054199). Advanced modeling of protein sequence and biophysical properties (such as structural, functional, and spatial information, amino acid conservation, physicochemical variation, residue mobility, and thermodynamic stability) performed at Invitae indicates that this missense variant is not expected to disrupt AUTS2 protein function with a negative predictive value of 80%. In summary, the available evidence is currently insufficient to determine the role of this variant in disease. Therefore, it has been classified as a Variant of Uncertain Significance.

NM_015570.4(AUTS2):c.2780G>A (p.Arg927His)

Gene: AUTS2 (activator of transcription and developmental regulator AUTS2; plus strand). Cytogenetic location: 7q11.22.
Variant type: single nucleotide variant.
Coding change: c.2780G>A on transcript NM_015570.4 (MANE Select); coding-DNA position 2780, G replaced by A.
Protein change: p.Arg927His; replaces arginine 927 with histidine.
Molecular consequence: missense variant.
Genome position (GRCh38, 1-based): chr7:70,789,996, G>A. VCF-style: chr7-70789996-G-A. GRCh37 (hg19) VCF-style: chr7-70254982-G-A.
Other names: c.2708G>A, p.Arg903His (NM_001127231.3); short protein forms R903H, R927H.
Identifiers: ClinVar variation 2054199 (VCV002054199.4), dbSNP rs779729601, ClinGen allele CA4281179.